The following is an entry in ClinVar:

NM_022773.4(LMF1):c.1297G>T (p.Asp433Tyr)

Gene: LMF1 (lipase maturation factor 1; minus strand). Cytogenetic location: 16p13.3.
Variant type: single nucleotide variant.
Coding change: c.1297G>T on transcript NM_022773.4 (MANE Select); coding-DNA position 1297, G replaced by T.
Protein change: p.Asp433Tyr; replaces aspartic acid 433 with tyrosine.
Molecular consequence: missense variant. On other transcripts: non-coding transcript variant (1).
Genome position (GRCh38, 1-based): chr16:870,002, C>A on the plus strand (G>T on the coding strand, the complement: LMF1 is on the minus strand). VCF-style: chr16-870002-C-A. GRCh37 (hg19) VCF-style: chr16-920002-C-A.
Other names: c.646G>T, p.Asp216Tyr (NM_001352017.2, NM_001352021.2); c.898G>T, p.Asp300Tyr (NM_001352018.2); c.970G>T, p.Asp324Tyr (NM_001352019.2); c.1297G>T, p.Asp433Tyr (NM_001352020.1); short protein forms D216Y, D433Y, D300Y, D324Y.
Identifiers: ClinVar variation 3538676 (VCV003538676.1).

ClinVar aggregate classification (germline): Uncertain significance (1 of 4 stars; one submission).

Conditions:
Cardiovascular phenotype. Identifiers: MedGen CN230736.

Submission:

Ambry Genetics
Classification: Uncertain significance for Cardiovascular phenotype. Last evaluated: 2024-11-23. Review status: criteria provided, single submitter. Criteria: Ambry Variant Classification Scheme 2023. Collection method: clinical testing. Allele origin: germline.
Comment: The p.D433Y variant (also known as c.1297G>T), located in coding exon 9 of the LMF1 gene, results from a G to T substitution at nucleotide position 1297. The aspartic acid at codon 433 is replaced by tyrosine, an amino acid with highly dissimilar properties. This amino acid position is conserved. In addition, this alteration is predicted to be tolerated by in silico analysis. Based on the available evidence, the clinical significance of this variant remains unclear.